The following is an entry in ClinVar:

NC_000002.11:g.(?_215928769)_(216002931_?)del

Gene: ABCA12 (ATP binding cassette subfamily A member 12; minus strand). Cytogenetic location: 2q35.
Variant type: Deletion.
Identifiers: ClinVar variation 3247593 (VCV003247593.1).

ClinVar aggregate classification (germline): Pathogenic (1 of 4 stars; one submission).

Submission:

Labcorp Genetics (formerly Invitae), Labcorp
Classification: Pathogenic. Last evaluated: 2023-02-18. Review status: criteria provided, single submitter. Criteria: Invitae Variant Classification Sherloc (09022015). Collection method: clinical testing. Allele origin: unknown.
Comment: This variant is a gross deletion of the genomic region encompassing exon(s) 1-3 of the ABCA12 gene, which includes the initiator codon. This deletion extends beyond the assayed region for this gene and therefore may encompass additional genes. It is expected to result in an absent or disrupted protein product. Loss-of-function variants in ABCA12 are known to be pathogenic (PMID: 20672373). This variant has not been reported in the literature in individuals affected with ABCA12-related conditions. For these reasons, this variant has been classified as Pathogenic.

Literature cited by the submitters: PubMed 20672373.